The following is an entry in ClinVar:

ClinVar aggregate classification (germline): Uncertain significance (1 of 4 stars; one submission).

Allele frequency attached by ClinVar (database versions not stated): gnomAD exomes 0.00001; ExAC 0.00010.
gnomAD v4.1: 9 of 1,505,860 alleles (0.0006%); highest among the groups gnomAD compares: Non-Finnish European, 0.00062%; no homozygotes.

Submission:

Labcorp Genetics (formerly Invitae), Labcorp
Classification: Uncertain significance. Last evaluated: 2024-01-17. Review status: criteria provided, single submitter. Criteria: Invitae Variant Classification Sherloc (09022015). Collection method: clinical testing. Allele origin: germline.
Comment: This sequence change replaces aspartic acid, which is acidic and polar, with valine, which is neutral and non-polar, at codon 1609 of the APC2 protein (p.Asp1609Val). This variant is present in population databases (rs767532662, gnomAD 0.003%). This variant has not been reported in the literature in individuals affected with APC2-related conditions. ClinVar contains an entry for this variant (Variation ID: 2048730). Advanced modeling of protein sequence and biophysical properties (such as structural, functional, and spatial information, amino acid conservation, physicochemical variation, residue mobility, and thermodynamic stability) performed at Invitae indicates that this missense variant is expected to disrupt APC2 protein function with a positive predictive value of 80%. In summary, the available evidence is currently insufficient to determine the role of this variant in disease. Therefore, it has been classified as a Variant of Uncertain Significance.

NM_005883.3(APC2):c.4826A>T (p.Asp1609Val)

Gene: APC2 (APC regulator of Wnt signaling pathway 2; plus strand). Cytogenetic location: 19p13.3.
Variant type: single nucleotide variant.
Coding change: c.4826A>T on transcript NM_005883.3 (MANE Select); coding-DNA position 4826, A replaced by T.
Protein change: p.Asp1609Val; replaces aspartic acid 1609 with valine.
Molecular consequence: missense variant.
Genome position (GRCh38, 1-based): chr19:1,468,127, A>T. VCF-style: chr19-1468127-A-T. GRCh37 (hg19) VCF-style: chr19-1468126-A-T.
Other names: c.4823A>T, p.Asp1608Val (NM_001351273.1); short protein forms D1608V, D1609V.
Identifiers: ClinVar variation 2048730 (VCV002048730.4), dbSNP rs767532662, ClinGen allele CA9045927.